The following is an entry in ClinVar:

ClinVar aggregate classification (germline): Uncertain significance (1 of 4 stars; one submission).

Submission:

CeGaT Center for Human Genetics Tuebingen
Classification: Uncertain significance. Last evaluated: 2025-11-01. Review status: criteria provided, single submitter. Criteria: CeGaT Center For Human Genetics Tuebingen Variant Classification Criteria Version 2. Collection method: clinical testing. Allele origin: germline. Affected: yes. Observed: 1 variant allele.
Comment: COL1A1: PM2

NM_000088.4(COL1A1):c.3241G>T (p.Val1081Phe)

Gene: COL1A1 (collagen type I alpha 1 chain; minus strand). Cytogenetic location: 17q21.33.
Variant type: single nucleotide variant.
Coding change: c.3241G>T on transcript NM_000088.4 (MANE Select); coding-DNA position 3241, G replaced by T.
Protein change: p.Val1081Phe; replaces valine 1081 with phenylalanine.
Molecular consequence: missense variant.
Genome position (GRCh38, 1-based): chr17:50,188,116, C>A on the plus strand (G>T on the coding strand, the complement: COL1A1 is on the minus strand). VCF-style: chr17-50188116-C-A. GRCh37 (hg19) VCF-style: chr17-48265477-C-A.
Other names: short protein forms V1081F.
Identifiers: ClinVar variation 4535246 (VCV004535246.6).